The following is an entry in ClinVar:

ClinVar aggregate classification (germline): Uncertain significance (1 of 4 stars; one submission).

Conditions:
Combined immunodeficiency due to STIM1 deficiency. Also called: IMMUNODEFICIENCY 10; STIM1 DEFICIENCY. Identifiers: Orphanet 169090, Orphanet 317430, MedGen C2748557, MONDO:0013008, OMIM 612783.
Stormorken syndrome (STRMK). Also called: THROMBOCYTOPATHY, ASPLENIA, AND MIOSIS. Identifiers: Orphanet 3204, MedGen C1861451, MONDO:0008497, OMIM 185070.
Myopathy with tubular aggregates (TAM). Also called: Tubular Aggregate Myopathy. Identifiers: Orphanet 2593, MedGen C0410207, MONDO:0008051.

Allele frequency attached by ClinVar (database versions not stated): TOPMed below 0.00001.
gnomAD v4.1: 1 of 1,614,084 alleles (0.000062%); no homozygotes.

Submission:

Labcorp Genetics (formerly Invitae), Labcorp
Classification: Uncertain significance for Myopathy with tubular aggregates; Combined immunodeficiency due to STIM1 deficiency; Stormorken syndrome. Last evaluated: 2024-10-24. Review status: criteria provided, single submitter. Criteria: Invitae Variant Classification Sherloc (09022015). Collection method: clinical testing. Allele origin: germline.
Comment: This sequence change replaces serine, which is neutral and polar, with glycine, which is neutral and non-polar, at codon 528 of the STIM1 protein (p.Ser528Gly). This variant is not present in population databases (gnomAD no frequency). This variant has not been reported in the literature in individuals affected with STIM1-related conditions. ClinVar contains an entry for this variant (Variation ID: 842745). Invitae Evidence Modeling of protein sequence and biophysical properties (such as structural, functional, and spatial information, amino acid conservation, physicochemical variation, residue mobility, and thermodynamic stability) has been performed for this missense variant. However, the output from this modeling did not meet the statistical confidence thresholds required to predict the impact of this variant on STIM1 protein function. In summary, the available evidence is currently insufficient to determine the role of this variant in disease. Therefore, it has been classified as a Variant of Uncertain Significance.

NM_001382567.1(STIM1):c.1675A>G (p.Ser559Gly)

Gene: STIM1 (stromal interaction molecule 1; plus strand). Cytogenetic location: 11p15.4.
Variant type: single nucleotide variant.
Coding change: c.1675A>G on transcript NM_001382567.1 (MANE Select); coding-DNA position 1675, A replaced by G.
Protein change: p.Ser559Gly; replaces serine 559 with glycine.
Molecular consequence: missense variant. On other transcripts: non-coding transcript variant (3).
Genome position (GRCh38, 1-based): chr11:4,091,322, A>G. VCF-style: chr11-4091322-A-G. GRCh37 (hg19) VCF-style: chr11-4112552-A-G.
Other names: c.1900A>G, p.Ser634Gly (NM_001277961.3); c.1619A>G, p.Glu540Gly (NM_001277962.2); c.1678A>G, p.Ser560Gly (NM_001382566.1); c.1603A>G, p.Ser535Gly (NM_001382568.1); c.1447A>G, p.Ser483Gly (NM_001382569.1); c.1354A>G, p.Ser452Gly (NM_001382570.1); c.1102A>G, p.Ser368Gly (NM_001382571.1); c.1360A>G, p.Ser454Gly (NM_001382575.1, NM_001382576.1, NM_001382577.1); and 4 more; short protein forms S634G, E540G, S528G, E377G, E466G, S365G, S368G, S452G.
Identifiers: ClinVar variation 842745 (VCV000842745.10), dbSNP rs2094523397, ClinGen allele CA379196685.
Genomic context (GRCh38, chr11:4,091,322, plus strand): 5'-CTCTGCCCCATGTCTTGCAGGGATTTGACCCATTCCGATTCGGAGTCCTCCCTCCACATG[A>G]GTGACCGCCAGCGTGTGGCCCCCAAACCTCCTCAGATGAGCCGTGCTGCAGACGAGGCTC-3'
Protein context (NP_001369496.1, residues 549-569): HSDSESSLHM[Ser559Gly]DRQRVAPKPP